The following is an entry in ClinVar:

NM_014727.3(KMT2B):c.1176A>G (p.Pro392=)

Gene: KMT2B (lysine methyltransferase 2B; plus strand). Cytogenetic location: 19q13.12.
Variant type: single nucleotide variant.
Coding change: c.1176A>G on transcript NM_014727.3 (MANE Select); coding-DNA position 1176, A replaced by G.
Protein change: p.Pro392=; no amino-acid change (proline 392 retained).
Molecular consequence: synonymous variant.
Genome position (GRCh38, 1-based): chr19:35,720,523, A>G. VCF-style: chr19-35720523-A-G. GRCh37 (hg19) VCF-style: chr19-36211425-A-G.
Identifiers: ClinVar variation 3771415 (VCV003771415.13).

ClinVar aggregate classification (germline): Likely benign (1 of 4 stars; one submission).

Submission:

CeGaT Center for Human Genetics Tuebingen
Classification: Likely benign. Last evaluated: 2024-12-01. Review status: criteria provided, single submitter. Criteria: CeGaT Center For Human Genetics Tuebingen Variant Classification Criteria Version 2. Collection method: clinical testing. Allele origin: germline. Affected: yes. Observed: 1 variant allele.
Comment: KMT2B: BP4, BP7